The following is an entry in ClinVar:

NM_004064.5(CDKN1B):c.473A>G (p.Asp158Gly)

Gene: CDKN1B (cyclin dependent kinase inhibitor 1B; plus strand). Cytogenetic location: 12p13.1.
Variant type: single nucleotide variant.
Coding change: c.473A>G on transcript NM_004064.5 (MANE Select); coding-DNA position 473, A replaced by G.
Protein change: p.Asp158Gly; replaces aspartic acid 158 with glycine.
Molecular consequence: missense variant.
Genome position (GRCh38, 1-based): chr12:12,718,312, A>G. VCF-style: chr12-12718312-A-G. GRCh37 (hg19) VCF-style: chr12-12871246-A-G.
Other names: short protein forms D158G.
Identifiers: ClinVar variation 3684790 (VCV003684790.2).

ClinVar aggregate classification (germline): Uncertain significance (1 of 4 stars; one submission).

Conditions:
Multiple endocrine neoplasia type 4. Also called: MULTIPLE ENDOCRINE NEOPLASIA, TYPE IV. Identifiers: Orphanet 276152, MedGen C1970712, MONDO:0012552, OMIM 610755.

Submission:

Labcorp Genetics (formerly Invitae), Labcorp
Classification: Uncertain significance for Multiple endocrine neoplasia type 4. Last evaluated: 2024-06-25. Review status: criteria provided, single submitter. Criteria: Invitae Variant Classification Sherloc (09022015). Collection method: clinical testing. Allele origin: germline.
Comment: This sequence change replaces aspartic acid, which is acidic and polar, with glycine, which is neutral and non-polar, at codon 158 of the CDKN1B protein (p.Asp158Gly). This variant is not present in population databases (gnomAD no frequency). This variant has not been reported in the literature in individuals affected with CDKN1B-related conditions. An algorithm developed to predict the effect of missense changes on protein structure and function (PolyPhen-2) suggests that this variant is likely to be disruptive. In summary, the available evidence is currently insufficient to determine the role of this variant in disease. Therefore, it has been classified as a Variant of Uncertain Significance.